The following is an entry in ClinVar:

ClinVar aggregate classification (germline): Uncertain significance. Review status: criteria provided, multiple submitters, no conflicts (2 of 4 stars). 5 submissions from 5 submitters: Uncertain significance (5). Last evaluated 2026-06-23.

Conditions:
Retinal dystrophy. Also called: Inherited retinal dystrophy. Identifiers: Orphanet 71862, MedGen C0854723, MeSH D058499, MONDO:0019118, HP:0000556.
ABCA4-related disorder. Also called: ABCA4-related condition; ABCA4-related disorders. Identifiers: MedGen CN239167.
Inborn genetic diseases. Identifiers: MedGen C0950123, MeSH D030342.

Allele frequency attached by ClinVar (database versions not stated): TOPMed 0.00003; ESP Exome Variant Server 0.00008.
gnomAD v4.1: 65 of 1,613,986 alleles (0.004%); highest among the groups gnomAD compares: East Asian, 0.029%; no homozygotes.

Submissions (5):

PreventionGenetics, part of Exact Sciences
Classification: Uncertain significance for ABCA4-related condition. Last evaluated: 2026-06-23. Review status: criteria provided, single submitter. Criteria: ACMG Guidelines, 2015. Collection method: clinical testing. Allele origin: germline.
Comment: The ABCA4 c.2759G>A variant is predicted to result in the amino acid substitution p.Arg920His. To our knowledge, this variant has not been reported in the literature. This variant is present in 0.016% of alleles in individuals of European (Finnish) descent in gnomAD. At this time, the clinical significance of this variant is uncertain due to the absence of conclusive functional and genetic evidence.

Ambry Genetics
Classification: Uncertain significance for Inborn genetic diseases. Last evaluated: 2025-01-21. Review status: criteria provided, single submitter. Criteria: Ambry Variant Classification Scheme 2023. Collection method: clinical testing. Allele origin: germline.

Labcorp Genetics (formerly Invitae), Labcorp
Classification: Uncertain significance. Last evaluated: 2024-12-13. Review status: criteria provided, single submitter. Criteria: Invitae Variant Classification Sherloc (09022015). Collection method: clinical testing. Allele origin: germline.
Comment: This sequence change replaces arginine, which is basic and polar, with histidine, which is basic and polar, at codon 920 of the ABCA4 protein (p.Arg920His). This variant is present in population databases (rs376526710, gnomAD 0.02%). This variant has not been reported in the literature in individuals affected with ABCA4-related conditions. ClinVar contains an entry for this variant (Variation ID: 849603). Invitae Evidence Modeling of protein sequence and biophysical properties (such as structural, functional, and spatial information, amino acid conservation, physicochemical variation, residue mobility, and thermodynamic stability) indicates that this missense variant is not expected to disrupt ABCA4 protein function with a negative predictive value of 80%. In summary, the available evidence is currently insufficient to determine the role of this variant in disease. Therefore, it has been classified as a Variant of Uncertain Significance.

Blueprint Genetics
Classification: Uncertain significance. Last evaluated: 2024-09-21. Review status: criteria provided, single submitter. Criteria: ACMG Guidelines, 2015. Collection method: clinical testing. Allele origin: germline.

Dept Of Ophthalmology, Nagoya University
Classification: Uncertain significance for Retinal dystrophy. Last evaluated: 2023-10-01. Review status: criteria provided, single submitter. Criteria: Submitter's publication. Collection method: research. Allele origin: germline. Affected: yes.

NM_000350.3(ABCA4):c.2759G>A (p.Arg920His)

Gene: ABCA4 (ATP binding cassette subfamily A member 4; minus strand). Cytogenetic location: 1p22.1.
Variant type: single nucleotide variant.
Coding change: c.2759G>A on transcript NM_000350.3 (MANE Select); coding-DNA position 2759, G replaced by A.
Protein change: p.Arg920His; replaces arginine 920 with histidine.
Molecular consequence: missense variant.
Genome position (GRCh38, 1-based): chr1:94,047,078, C>T on the plus strand (G>A on the coding strand, the complement: ABCA4 is on the minus strand). VCF-style: chr1-94047078-C-T. GRCh37 (hg19) VCF-style: chr1-94512634-C-T.
Other names: c.2537G>A, p.Arg846His (NM_001425324.1); short protein forms R920H, R846H.
Identifiers: ClinVar variation 849603 (VCV000849603.13), dbSNP rs376526710, ClinGen allele CA958161.
Genomic context (GRCh38, chr1:94,047,078, plus strand): 5'-GGCTCAAAAATCTTTACCAGATTCTTCACGCATACCCCAGGAACCCACCCTGGATGCTCA[C>T]GTTCAAAGAAGGAGTCTTGGAGGAAAAAAAATGAACATGATGTAAACATAATGCCTAATT-3'
Protein context (NP_000341.2, residues 910-930): PEGIHDSFFE[Arg920His]EHPGWVPGVC